The following is an entry in ClinVar:

NM_001395159.1(UNC79):c.3821-2dup

Gene: UNC79 (unc-79 homolog, NALCN channel complex subunit; plus strand). Cytogenetic location: 14q32.12.
Variant type: Duplication.
Coding change: c.3821-2dup on transcript NM_001395159.1 (MANE Select); the canonical splice acceptor site of the intron before coding-DNA position 3821, one base duplicated (A; older notation c.3821-2dupA).
Molecular consequence: splice acceptor variant.
Genome position (GRCh38, 1-based): chr14:93,612,795, A duplicated. VCF-style (leftmost placement, unchanged base first): chr14-93612794-C-CA. GRCh37 (hg19) VCF-style: chr14-94079140-C-CA.
Other names: c.3224-2dup (NM_020818.5); c.3755-2dup (NM_001346218.2).
Identifiers: ClinVar variation 3776501 (VCV003776501.1).

ClinVar aggregate classification (germline): Uncertain significance (1 of 4 stars; one submission).

Submission:

GeneDx
Classification: Uncertain significance. Last evaluated: 2024-10-02. Review status: criteria provided, single submitter. Criteria: GeneDx Variant Classification Process June 2021. Collection method: clinical testing. Allele origin: germline. Affected: yes.
Comment: Canonical splice site variant predicted to result in a null allele in a gene for which loss of function is a known mechanism of disease; Has not been previously published as pathogenic or benign to our knowledge